The following is an entry in ClinVar:

ClinVar aggregate classification (germline): Uncertain significance (0 of 4 stars; one submission).

Allele frequency attached by ClinVar (database versions not stated): TOPMed 0.00002; ExAC 0.00003; gnomAD 0.00003; gnomAD exomes 0.00003 and 0.00004.
gnomAD v4.1: 61 of 1,611,258 alleles (0.0038%); highest among the groups gnomAD compares: Non-Finnish European, 0.0048%; no homozygotes.

Submission:

Department of Pathology and Laboratory Medicine, Sinai Health System
Classification: Uncertain significance. Review status: no assertion criteria provided. Collection method: clinical testing. Allele origin: unknown. Affected: yes. Study: The Canadian Open Genetics Repository (COGR).
Comment: The ERBB4 c.421+5G>A variant was not identified in the literature nor was it identified in ClinVar or LOVD 3.0. The variant was identified in dbSNP (ID: rs778195807) and in control databases in 8 of 250440 chromosomes at a frequency of 0.000032 (Genome Aggregation Database March 6, 2019, v2.1.1). The variant was observed in the European (non-Finnish) population in 8 of 113080 chromosomes (freq: 0.000071), but was not observed in the African, Latino, Ashkenazi Jewish, East Asian, European (Finnish), Other, or South Asian populations. The c.421+5G>A variant is located in the 5' splice region but does not affect the invariant +1 and +2 positions. However, positions +3 to +6 are part of the splicing consensus sequence and variants involving these positions sometimes affect splicing. Three of four in silico or computational prediction software programs (SpliceSiteFinder, MaxEntScan, NNSPLICE, GeneSplicer) predict a greater than 10% difference in splicing; however RNA analysis has not been performed therefore this is not very predictive of pathogenicity. In summary, based on the above information the clinical significance of this variant cannot be determined with certainty at this time. This variant is classified as a variant of uncertain significance.

NM_005235.3(ERBB4):c.421+5G>A

Gene: ERBB4 (erb-b2 receptor tyrosine kinase 4; minus strand). Cytogenetic location: 2q34.
Variant type: single nucleotide variant.
Coding change: c.421+5G>A on transcript NM_005235.3 (MANE Select); 5 bases into the intron after coding-DNA position 421, G replaced by A.
Molecular consequence: intron variant.
Genome position (GRCh38, 1-based): chr2:211,947,425, C>T on the plus strand (G>A on the coding strand, the complement: ERBB4 is on the minus strand). VCF-style: chr2-211947425-C-T. GRCh37 (hg19) VCF-style: chr2-212812150-C-T.
Other names: c.421+5G>A (NM_001042599.2, NM_001439006.1, NM_001439005.1).
Identifiers: ClinVar variation 1050701 (VCV001050701.1), dbSNP rs778195807, ClinGen allele CA2088453.